The following is an entry in ClinVar:

ClinVar aggregate classification (germline): Uncertain significance. Review status: reviewed by expert panel (3 of 4 stars). 7 submissions from 7 submitters: Uncertain significance (1). 6 of the submissions do not count toward it. Last evaluated 2024-12-03.

Conditions:
RAF1-related disorder. Also called: RAF1-related condition; RAF1-related disorders.
Dilated cardiomyopathy 1NN. Identifiers: Orphanet 154, MedGen C4014656, MONDO:0014396, OMIM 615916.
LEOPARD syndrome 2 (LPRD2). Also called: RAF1-Related LEOPARD Syndrome. Identifiers: Orphanet 500, MedGen C1969056, MONDO:0012691, OMIM 611554.
Noonan syndrome 5 (NS5). Also called: RAF1-Related Noonan Syndrome. Identifiers: Orphanet 648, MedGen C1969057, MONDO:0012690, OMIM 611553. Disease mechanism: gain of function.
RASopathy. Also called: rasopathies; Noonan spectrum disorder. Identifiers: Orphanet 536391, MedGen C5555857, MONDO:0021060.

Submissions (8):

ClinGen RASopathy Variant Curation Expert Panel
Classification: Uncertain significance for RASopathy. Last evaluated: 2024-12-03. Review status: reviewed by expert panel. Criteria: ClinGen RASopathy ACMG Specifications RAF1 V2.3.0. Collection method: curation. Allele origin: germline. Inheritance: Autosomal dominant inheritance.
Comment: The c.1193G>T variant in the RAF1 gene is a missense variant predicted to cause substitution of arginine by leucine at amino acid 398 (p.Arg398Leu). This variant is absent from gnomAD v2 (PM2_Supporting). The computational predictor REVEL gives a score of 0.861, which is above the threshold of 0.7 and is evidence that correlates with impact to RAF1 function. The variant is also entirely conserved in the UCSC database, and Alamut does not predict an impact to splicing (PP3). This variant has been identified in at least 5 probands with variable phenotypic features, with two of them having a clinical suspicion of Noonan syndrome (PS4 not met; Rady Children's Institute for Genomic Medicine internal communications, Invitae; SCV000209025.5; SCV000207671.1; SCV000552095.2, SCV000552095.6). In summary, this variant meets criteria to be classified as a variant of uncertain significance for autosomal dominant RASopathies based on the ACMG/AMP criteria applied, as specified by the ClinGen RASopathy Variant Curation Expert Panel: PM2_Supporting, PP3. (Specification Version 2.3, 12/3/2024)

PreventionGenetics, part of Exact Sciences
Classification: Uncertain significance for RAF1-related condition. Last evaluated: 2025-08-25. Review status: criteria provided, single submitter. Criteria: ACMG Guidelines, 2015. Collection method: clinical testing. Allele origin: germline. Not counted in ClinVar's aggregate classification.
Comment: The RAF1 c.1193G>T variant is predicted to result in the amino acid substitution p.Arg398Leu. This variant was previously reported as de novo in one individual from a large cohort of individuals with developmental delay (DDD13k.08560 in supplementary data, Zhou et al. 2022. PubMed ID: 35982159). This variant is absent from one large population database (gnomAD), indicating this variant is rare. At this time, the clinical significance of this variant is uncertain due to the absence of conclusive functional and genetic evidence.

Labcorp Genetics (formerly Invitae), Labcorp
Classification: Likely pathogenic for RASopathy. Last evaluated: 2023-07-28. Review status: criteria provided, single submitter. Criteria: Invitae Variant Classification Sherloc (09022015). Collection method: clinical testing. Allele origin: germline. Not counted in ClinVar's aggregate classification.
Comment: This sequence change replaces arginine, which is basic and polar, with leucine, which is neutral and non-polar, at codon 398 of the RAF1 protein (p.Arg398Leu). This variant also falls at the last nucleotide of exon 11, which is part of the consensus splice site for this exon. In summary, the currently available evidence indicates that the variant is pathogenic, but additional data are needed to prove that conclusively. Therefore, this variant has been classified as Likely Pathogenic. Variants that disrupt the consensus splice site are a relatively common cause of aberrant splicing (PMID: 17576681, 9536098). An algorithm developed to predict the effect of missense changes on protein structure and function (PolyPhen-2) suggests that this variant is likely to be disruptive. ClinVar contains an entry for this variant (Variation ID: 40614). This missense change has been observed in individuals with clinical features of RAF1-related RASopathy and/or clinical features of RASopathy spectrum disorders (Invitae). This variant is not present in population databases (gnomAD no frequency).

Rady Children's Institute for Genomic Medicine, Rady Children's Hospital San Diego
Classification: Likely pathogenic for NOONAN SYNDROME 5. Last evaluated: 2019-11-07. Review status: criteria provided, single submitter. Criteria: ACMG Guidelines, 2015. Collection method: clinical testing. Allele origin: germline. Affected: yes. Not counted in ClinVar's aggregate classification.
Comment: This variant has been reported in the literature (PMID: 30095857, 29493581) and is present in ClinVar (Variation ID: 49084). The residue p.Arg398 has been characterized in-vitro as functionally important (PMID: 21454547, 10801816, 12925535). The c.1193G>T, p.Arg398Leu is absent from the ExAC and gnomAD population databases and thus is presumed to be rare. This alteration affect the last nucleotide of exon 11 of RAF1 and in-silico splicing algorithms (SpliceSiteFinder-like, MaxEntScan, NNSplice, GeneSplicer) predict that the variant weakens the canonical splice site. In addition, in-silico analyses for the mssense change support a deleterious effect of this variant on protein function. Analysis of the parental samples was negative for the variant, indicating this variant likely occurred as a de novo event. Based on the available evidence, the c.1193G>T, p.Arg398Leu variant is classified as Likely Pathogenic.

GeneDx
Classification: Uncertain significance. Last evaluated: 2017-05-04. Review status: criteria provided, single submitter. Criteria: GeneDx Variant Classification (06012015). Collection method: clinical testing. Allele origin: germline. Affected: yes. Not counted in ClinVar's aggregate classification.
Comment: The c.1193 G>T variant in the RAF1 gene has not been reported previously as a pathogenic variant, nor as a benign variant, to our knowledge. The c.1193 G>T variant is not observed in large population cohorts (Lek et al., 2016; 1000 Genomes Consortium et al., 2015; Exome Variant Server). In-silico splice prediction models predict that c.1193 G>T damages the splice donor site in intron 11, which may cause abnormal gene splicing. However, in the absence of RNA/functional studies, the actual effect of the c.1193 G>T change in this individual is unknown. If c.1193 G>T does not alter splicing, it will result in the R398L missense change. The R398L variant is a non-conservative amino acid substitution, which is likely to impact secondary protein structure as these residues differ in polarity, charge, size and/or other properties. While this substitution occurs at a position that is not conserved, in silico analysis predicts this variant is probably damaging to the protein structure/function. In vitro functional studies indicate that another missense substitution (R398A) at this residue leads to reduction of RAF1 kinase activity (Baljuls et al., 2011); however, increased activity is expected for RASopathy disorders. We interpret c.1193 G>T as a variant of uncertain significance.

Center for Genomics, Ann and Robert H. Lurie Children's Hospital of Chicago
Classification: Uncertain significance for Dilated cardiomyopathy 1NN; LEOPARD syndrome 2; Noonan syndrome 5. Review status: criteria provided, single submitter. Criteria: ACMG Guidelines, 2015. Collection method: clinical testing. Allele origin: germline. Not counted in ClinVar's aggregate classification.
Comment: RAF1 NM_002880.3 exon 11 p.Arg398Leu (c.1193G>T): This variant has not been reported in the literature in association with disease and is not present in large control databases. This variant is present in ClinVar with classifications ranging from Uncertain significance to likely pathogenic, including as a Uncertain significance by the ClinGen RASopathy Variant Curation Expert Panel (Variation ID:40614). Evolutionary conservation and computational predictive tools suggest that this variant may impact the protein. RAF1 has a low rate of benign missense variation, and pathogenic missense variants are enriched in affected individuals; however, this variant occurs in a region in which pathogenic variants are uncommon (Gelb 2018 PMID: 29493581). Of note, this variant occurs in the splice region and computational splice prediction tools support a possible impact to splicing; however, further studies are needed to understand its impact. In summary, data on this variant is insufficient for disease classification. Therefore, the clinical significance of this variant is uncertain.

Greenwood Genetic Center Diagnostic Laboratories, Greenwood Genetic Center
Classification: Uncertain significance. Last evaluated: 2015-01-15. Review status: no assertion criteria provided. Collection method: clinical testing. Allele origin: germline. Not counted in ClinVar's aggregate classification.

Dr. Peter K. Rogan Lab, Western University
No classification provided (evidence only). Condition: Gastric cancer. Review status: no classification provided. Collection method: in vitro. Allele origin: not applicable. Functional consequence: retained intron. Not counted in ClinVar's aggregate classification.

Literature cited by the submitters: PubMed 17576681 (cited by Labcorp Genetics (formerly Invitae), Labcorp); PubMed 9536098 (cited by Labcorp Genetics (formerly Invitae), Labcorp).

NM_002880.4(RAF1):c.1193G>T (p.Arg398Leu)

Gene: RAF1 (Raf-1 proto-oncogene, serine/threonine kinase; minus strand). Cytogenetic location: 3p25.2.
Variant type: single nucleotide variant.
Coding change: c.1193G>T on transcript NM_002880.4 (MANE Select); coding-DNA position 1193, G replaced by T.
Protein change: p.Arg398Leu; replaces arginine 398 with leucine.
Molecular consequence: missense variant. On other transcripts: non-coding transcript variant (3).
Genome position (GRCh38, 1-based): chr3:12,591,708, C>A on the plus strand (G>T on the coding strand, the complement: RAF1 is on the minus strand). VCF-style: chr3-12591708-C-A. GRCh37 (hg19) VCF-style: chr3-12633207-C-A.
Other names: NM_002880.4(RAF1):c.1193G>T; c.1193G>T (NM_002880.3); c.1253G>T, p.Arg418Leu (NM_001354689.3); c.1193G>T, p.Arg398Leu (NM_001354690.3); c.950G>T, p.Arg317Leu (NM_001354691.3, NM_001354692.3); c.1094G>T, p.Arg365Leu (NM_001354693.3); c.1010G>T, p.Arg337Leu (NM_001354694.3); c.851G>T, p.Arg284Leu (NM_001354695.3); short protein forms R398L, R418L, R317L, R337L, R284L, R365L.
Identifiers: ClinVar variation 40614 (VCV000040614.19), dbSNP rs730880382, ClinGen allele CA235336.